The following is an entry in ClinVar:

NM_001201550.3(CFHR4):c.243G>A (p.Thr81=)

Gene: CFHR4 (complement factor H related 4; plus strand). Cytogenetic location: 1q31.3.
Variant type: single nucleotide variant.
Coding change: c.243G>A on transcript NM_001201550.3 (MANE Select); coding-DNA position 243, G replaced by A.
Protein change: p.Thr81=; no amino-acid change (threonine 81 retained).
Molecular consequence: synonymous variant.
Genome position (GRCh38, 1-based): chr1:196,902,602, G>A. VCF-style: chr1-196902602-G-A. GRCh37 (hg19) VCF-style: chr1-196871732-G-A.
Other names: p.Thr80=; c.240G>A, p.Thr80= (NM_001201551.2); c.243G>A, p.Thr81= (NM_006684.5).
Identifiers: ClinVar variation 1336563 (VCV001336563.7), dbSNP rs77556138, ClinGen allele CA1306757.

ClinVar aggregate classification (germline): Benign/Likely benign. Review status: criteria provided, multiple submitters, no conflicts (2 of 4 stars). 4 submissions from 4 submitters: Benign (2); Likely benign (2). Last evaluated 2026-01-22.

Allele frequency attached by ClinVar (database versions not stated): gnomAD exomes 0.00215; ExAC 0.00274; 1000 Genomes Project 0.00799; 1000 Genomes Project 30x 0.00828; gnomAD 0.00924 and 0.00990; ESP Exome Variant Server 0.00959; TOPMed 0.01005.
gnomAD v4.1: 2,694 of 1,610,032 alleles (0.17%); highest among the groups gnomAD compares: African/African-American, 3.2%; 119 homozygotes.

Submissions (4):

Women's Health and Genetics/Laboratory Corporation of America, LabCorp
Classification: Benign. Last evaluated: 2026-01-22. Review status: criteria provided, single submitter. Criteria: LabCorp Variant Classification Summary - May 2015. Collection method: clinical testing. Allele origin: germline.

Mayo Clinic Laboratories, Mayo Clinic
Classification: Likely benign. Last evaluated: 2024-12-23. Review status: criteria provided, single submitter. Criteria: ACMG Guidelines, 2015. Collection method: clinical testing. Allele origin: germline. Observed: 37 variant alleles.
Comment: BS1, BP4, BP7

Genetic Services Laboratory, University of Chicago
Classification: Benign. Last evaluated: 2019-05-14. Review status: criteria provided, single submitter. Criteria: ACMG Guidelines, 2015. Collection method: clinical testing. Allele origin: germline. Affected: no.

Breakthrough Genomics
Classification: Likely benign. Review status: criteria provided, single submitter. Criteria: ACMG Guidelines, 2015. Collection method: not provided. Allele origin: germline. Inheritance: Unknown mechanism. Affected: yes.